The following is an entry in ClinVar:

NM_000245.4(MET):c.613T>G (p.Tyr205Asp)

Gene: MET (MET proto-oncogene, receptor tyrosine kinase; plus strand). Cytogenetic location: 7q31.2.
Variant type: single nucleotide variant.
Coding change: c.613T>G on transcript NM_000245.4 (MANE Select); coding-DNA position 613, T replaced by G.
Protein change: p.Tyr205Asp; replaces tyrosine 205 with aspartic acid.
Molecular consequence: missense variant. On other transcripts: intron variant (1).
Genome position (GRCh38, 1-based): chr7:116,699,697, T>G. VCF-style: chr7-116699697-T-G. GRCh37 (hg19) VCF-style: chr7-116339751-T-G.
Other names: c.613T>G, p.Tyr205Asp (NM_001127500.3, NM_001324401.3); c.-91+27120T>G (NM_001324402.2); short protein forms Y205D.
Identifiers: ClinVar variation 2166782 (VCV002166782.6), dbSNP rs1203476400, ClinGen allele CA368969462.

ClinVar aggregate classification (germline): Conflicting classifications of pathogenicity. Review status: criteria provided, conflicting classifications (1 of 4 stars). 2 submissions from 2 submitters: Uncertain significance (1); Likely benign (1). Last evaluated 2026-06-16.

Conditions:
Renal cell carcinoma. Identifiers: Orphanet 217071, MedGen C0007134, MeSH D002292, MONDO:0005086, HP:0005584.
Hereditary cancer-predisposing syndrome. Also called: Tumor predisposition; Hereditary Cancer Syndrome; Hereditary neoplastic syndrome; Neoplastic Syndromes, Hereditary. Identifiers: Orphanet 140162, MedGen C0027672, MeSH D009386, MONDO:0015356.

Allele frequency attached by ClinVar (database versions not stated): gnomAD 0.00001; TOPMed below 0.00001.
gnomAD v4.1: 1 of 1,613,930 alleles (0.000062%); highest among the groups gnomAD compares: Non-Finnish European, 0.000085%; no homozygotes.

Submissions (2):

Ambry Genetics
Classification: Likely benign for Hereditary cancer-predisposing syndrome. Last evaluated: 2026-06-16. Review status: criteria provided, single submitter. Criteria: Ambry Variant Classification Scheme 2023. Collection method: clinical testing. Allele origin: germline.

Labcorp Genetics (formerly Invitae), Labcorp
Classification: Uncertain significance for Renal cell carcinoma. Last evaluated: 2022-03-27. Review status: criteria provided, single submitter. Criteria: Invitae Variant Classification Sherloc (09022015). Collection method: clinical testing. Allele origin: germline.
Comment: In summary, the available evidence is currently insufficient to determine the role of this variant in disease. Therefore, it has been classified as a Variant of Uncertain Significance. Algorithms developed to predict the effect of missense changes on protein structure and function (SIFT, PolyPhen-2, Align-GVGD) all suggest that this variant is likely to be tolerated. This variant has not been reported in the literature in individuals affected with MET-related conditions. This variant is not present in population databases (gnomAD no frequency). This sequence change replaces tyrosine, which is neutral and polar, with aspartic acid, which is acidic and polar, at codon 205 of the MET protein (p.Tyr205Asp).